The following is an entry in ClinVar:

NM_001374828.1(ARID1B):c.5674G>A (p.Asp1892Asn)

Gene: ARID1B (AT-rich interaction domain 1B; plus strand). Cytogenetic location: 6q25.3.
Variant type: single nucleotide variant.
Coding change: c.5674G>A on transcript NM_001374828.1 (MANE Select); coding-DNA position 5674, G replaced by A.
Protein change: p.Asp1892Asn; replaces aspartic acid 1892 with asparagine.
Molecular consequence: missense variant.
Genome position (GRCh38, 1-based): chr6:157,206,446, G>A. VCF-style: chr6-157206446-G-A. GRCh37 (hg19) VCF-style: chr6-157527580-G-A.
Other names: c.3175G>A, p.Asp1059Asn (NM_001363725.2); c.5554G>A, p.Asp1852Asn (NM_001371656.1, NM_001374820.1); c.5803G>A, p.Asp1935Asn (NM_001438482.1); c.5716G>A, p.Asp1906Asn (NM_001438483.1); c.5584G>A, p.Asp1862Asn (NM_001438485.1); c.5557G>A, p.Asp1853Asn (NM_001438486.1); c.5494G>A, p.Asp1832Asn (NM_001438487.1); c.3016G>A, p.Asp1006Asn (NM_001438488.1); and 1 more; short protein forms D1006N, D1059N, D1832N, D1839N, D1852N, D1853N, D1862N, D1892N.
Identifiers: ClinVar variation 4801407 (VCV004801407.1).

ClinVar aggregate classification (germline): Uncertain significance (1 of 4 stars; one submission).

Submission:

Labcorp Genetics (formerly Invitae), Labcorp
Classification: Uncertain significance. Last evaluated: 2025-09-07. Review status: criteria provided, single submitter. Criteria: Invitae Variant Classification Sherloc (09022015). Collection method: clinical testing. Allele origin: germline.
Comment: This sequence change replaces aspartic acid, which is acidic and polar, with asparagine, which is neutral and polar, at codon 1769 of the ARID1B protein (p.Asp1769Asn). This variant is not present in population databases (gnomAD no frequency). This variant has not been reported in the literature in individuals affected with ARID1B-related conditions. Invitae Evidence Modeling of protein sequence and biophysical properties (such as structural, functional, and spatial information, amino acid conservation, physicochemical variation, residue mobility, and thermodynamic stability) indicates that this missense variant is not expected to disrupt ARID1B protein function with a negative predictive value of 95%. In summary, the available evidence is currently insufficient to determine the role of this variant in disease. Therefore, it has been classified as a Variant of Uncertain Significance.